The following is an entry in ClinVar:

ClinVar aggregate classification (germline): Uncertain significance (1 of 4 stars; one submission).

Conditions:
ALG6-congenital disorder of glycosylation 1C (CDG1C). Also called: CDG Ic; CARBOHYDRATE-DEFICIENT GLYCOPROTEIN SYNDROME, TYPE I, WITH DEFICIENT GLYCOSYLATION OF DOLICHOL-LINKED OLIGOSACCHARIDE; CARBOHYDRATE-DEFICIENT GLYCOPROTEIN SYNDROME, TYPE V; Congenital disorder of glycosylation type 1C; Congenital disorder of glycosylation, type Ic. Identifiers: Orphanet 79320, MedGen C2930997, MONDO:0011291, OMIM 603147.

Allele frequency attached by ClinVar (database versions not stated): gnomAD 0.00001; gnomAD exomes 0.00001; ExAC 0.00002; TOPMed 0.00003.
gnomAD v4.1: 7 of 1,613,618 alleles (0.00043%); highest among the groups gnomAD compares: Admixed American, 0.012%; no homozygotes.

Submission:

Labcorp Genetics (formerly Invitae), Labcorp
Classification: Uncertain significance for ALG6-congenital disorder of glycosylation 1C. Last evaluated: 2025-02-25. Review status: criteria provided, single submitter. Criteria: Invitae Variant Classification Sherloc (09022015). Collection method: clinical testing. Allele origin: germline.
Comment: This sequence change replaces leucine, which is neutral and non-polar, with isoleucine, which is neutral and non-polar, at codon 51 of the ALG6 protein (p.Leu51Ile). This variant is present in population databases (rs758344353, gnomAD 0.01%). This variant has not been reported in the literature in individuals affected with ALG6-related conditions. ClinVar contains an entry for this variant (Variation ID: 2160776). Invitae Evidence Modeling of protein sequence and biophysical properties (such as structural, functional, and spatial information, amino acid conservation, physicochemical variation, residue mobility, and thermodynamic stability) has been performed for this missense variant. However, the output from this modeling did not meet the statistical confidence thresholds required to predict the impact of this variant on ALG6 protein function. In summary, the available evidence is currently insufficient to determine the role of this variant in disease. Therefore, it has been classified as a Variant of Uncertain Significance.

NM_013339.4(ALG6):c.151T>A (p.Leu51Ile)

Gene: ALG6 (ALG6 alpha-1,3-glucosyltransferase; plus strand). Cytogenetic location: 1p31.3.
Variant type: single nucleotide variant.
Coding change: c.151T>A on transcript NM_013339.4 (MANE Select); coding-DNA position 151, T replaced by A.
Protein change: p.Leu51Ile; replaces leucine 51 with isoleucine.
Molecular consequence: missense variant.
Genome position (GRCh38, 1-based): chr1:63,396,581, T>A. VCF-style: chr1-63396581-T-A. GRCh37 (hg19) VCF-style: chr1-63862252-T-A.
Other names: short protein forms L51I.
Identifiers: ClinVar variation 2160776 (VCV002160776.3), dbSNP rs758344353, ClinGen allele CA888071.
Genomic context (GRCh38, chr1:63,396,581, plus strand): 5'-AAACCGCCTATGTTTGGTGATTATGAAGCTCAGAGACACTGGCAAGAAATAACTTTTAAT[T>A]TACCGGTCAAACAATGGTATGATAATTTTAACTTGTTTTTCTTGTTTATCATAGTTAATA-3'
Protein context (NP_037471.2, residues 41-61): QRHWQEITFN[Leu51Ile]PVKQWYFNSS